The following is an entry in ClinVar:

NM_000274.4(OAT):c.307A>G (p.Ser103Gly)

Gene: OAT (ornithine aminotransferase; minus strand). Cytogenetic location: 10q26.13.
Variant type: single nucleotide variant.
Coding change: c.307A>G on transcript NM_000274.4 (MANE Select); coding-DNA position 307, A replaced by G.
Protein change: p.Ser103Gly; replaces serine 103 with glycine.
Molecular consequence: missense variant. On other transcripts: 5 prime UTR variant (2), intron variant (1).
Genome position (GRCh38, 1-based): chr10:124,408,858, T>C on the plus strand (A>G on the coding strand, the complement: OAT is on the minus strand). VCF-style: chr10-124408858-T-C. GRCh37 (hg19) VCF-style: chr10-126097427-T-C.
Other names: c.-108A>G (NM_001171814.2); c.307A>G, p.Ser103Gly (NM_001322965.2, NM_001322966.2, NM_001322967.2 and 3 more transcripts); c.-408A>G (NM_001322974.2); c.199+3115A>G (NM_001322971.2); short protein forms S103G.
Identifiers: ClinVar variation 1362600 (VCV001362600.5), dbSNP rs2134478495, ClinGen allele CA378637360.

ClinVar aggregate classification (germline): Uncertain significance (1 of 4 stars; one submission).

Conditions:
Ornithine aminotransferase deficiency (GACR). Also called: Ornithine ketoacid aminotransferase deficiency; Gyrate atrophy; Gyrate atrophy of choroid and retina; Girate atrophy of the retina; HYPERORNITHINEMIA WITH GYRATE ATROPHY OF CHOROID AND RETINA; OAT DEFICIENCY. Identifiers: Orphanet 414, MedGen C0018425, MONDO:0009796, OMIM 258870.

Allele frequency attached by ClinVar (database versions not stated): gnomAD exomes below 0.00001.

Submission:

Labcorp Genetics (formerly Invitae), Labcorp
Classification: Uncertain significance for Ornithine aminotransferase deficiency. Last evaluated: 2022-10-24. Review status: criteria provided, single submitter. Criteria: Invitae Variant Classification Sherloc (09022015). Collection method: clinical testing. Allele origin: germline.
Comment: This sequence change replaces serine, which is neutral and polar, with glycine, which is neutral and non-polar, at codon 103 of the OAT protein (p.Ser103Gly). This variant is not present in population databases (gnomAD no frequency). This variant has not been reported in the literature in individuals affected with OAT-related conditions. ClinVar contains an entry for this variant (Variation ID: 1362600). Advanced modeling of protein sequence and biophysical properties (such as structural, functional, and spatial information, amino acid conservation, physicochemical variation, residue mobility, and thermodynamic stability) performed at Invitae indicates that this missense variant is not expected to disrupt OAT protein function. In summary, the available evidence is currently insufficient to determine the role of this variant in disease. Therefore, it has been classified as a Variant of Uncertain Significance.